The following is an entry in ClinVar:

NM_019066.5(MAGEL2):c.1882C>A (p.Gln628Lys)

Gene: MAGEL2 (MAGE family member L2; minus strand). Cytogenetic location: 15q11.2.
Variant type: single nucleotide variant.
Coding change: c.1882C>A on transcript NM_019066.5 (MANE Select); coding-DNA position 1882, C replaced by A.
Protein change: p.Gln628Lys; replaces glutamine 628 with lysine.
Molecular consequence: missense variant.
Genome position (GRCh38, 1-based): chr15:23,645,861, G>T on the plus strand (C>A on the coding strand, the complement: MAGEL2 is on the minus strand). VCF-style: chr15-23645861-G-T. GRCh37 (hg19) VCF-style: chr15-23891008-G-T.
Other names: short protein forms Q628K.
Identifiers: ClinVar variation 2310180 (VCV002310180.4), dbSNP rs1249359205, ClinGen allele CA391333121.

ClinVar aggregate classification (germline): Uncertain significance. Review status: criteria provided, multiple submitters, no conflicts (2 of 4 stars). 3 submissions from 3 submitters: Uncertain significance (3). Last evaluated 2025-10-20.

Conditions:
Inborn genetic diseases. Identifiers: MedGen C0950123, MeSH D030342.
MAGEL2-related disorder. Also called: MAGEL2-related condition.

Allele frequency attached by ClinVar (database versions not stated): TOPMed 0.00001; gnomAD 0.00002.
gnomAD v4.1: 12 of 1,578,828 alleles (0.00076%); highest among the groups gnomAD compares: Middle Eastern, 0.017%; no homozygotes.

Submissions (3):

Labcorp Genetics (formerly Invitae), Labcorp
Classification: Uncertain significance. Last evaluated: 2025-10-20. Review status: criteria provided, single submitter. Criteria: Invitae Variant Classification Sherloc (09022015). Collection method: clinical testing. Allele origin: germline.
Comment: This sequence change replaces glutamine, which is neutral and polar, with lysine, which is basic and polar, at codon 628 of the MAGEL2 protein (p.Gln628Lys). This variant is present in population databases (no rsID available, gnomAD 0.007%). This variant has not been reported in the literature in individuals affected with MAGEL2-related conditions. ClinVar contains an entry for this variant (Variation ID: 2310180). Invitae Evidence Modeling of protein sequence and biophysical properties (such as structural, functional, and spatial information, amino acid conservation, physicochemical variation, residue mobility, and thermodynamic stability) has been performed for this missense variant. However, the output from this modeling did not meet the statistical confidence thresholds required to predict the impact of this variant on MAGEL2 protein function. In summary, the available evidence is currently insufficient to determine the role of this variant in disease. Therefore, it has been classified as a Variant of Uncertain Significance.

PreventionGenetics, part of Exact Sciences
Classification: Uncertain significance for MAGEL2-related condition. Last evaluated: 2025-06-18. Review status: criteria provided, single submitter. Criteria: ACMG Guidelines, 2015. Collection method: clinical testing. Allele origin: germline.
Comment: The MAGEL2 c.1882C>A variant is predicted to result in the amino acid substitution p.Gln628Lys. To our knowledge, this variant has not been reported in the literature. This variant is reported in 0.0065% of alleles in individuals of European (Non-Finnish) descent in gnomAD. At this time, the clinical significance of this variant is uncertain due to the absence of conclusive functional and genetic evidence.

Ambry Genetics
Classification: Uncertain significance for Inborn genetic diseases. Last evaluated: 2022-09-06. Review status: criteria provided, single submitter. Criteria: Ambry Variant Classification Scheme 2023. Collection method: clinical testing. Allele origin: germline.